The following is an entry in ClinVar:

NM_002029.4(FPR1):c.481A>G (p.Ile161Val)

Gene: FPR1 (formyl peptide receptor 1; minus strand). Cytogenetic location: 19q13.41.
Variant type: single nucleotide variant.
Coding change: c.481A>G on transcript NM_002029.4 (MANE Select); coding-DNA position 481, A replaced by G.
Protein change: p.Ile161Val; replaces isoleucine 161 with valine.
Molecular consequence: missense variant.
Genome position (GRCh38, 1-based): chr19:51,746,514, T>C on the plus strand (A>G on the coding strand, the complement: FPR1 is on the minus strand). VCF-style: chr19-51746514-T-C. GRCh37 (hg19) VCF-style: chr19-52249767-T-C.
Other names: c.481A>G, p.Ile161Val (NM_001193306.2); short protein forms I161V.
Identifiers: ClinVar variation 3627688 (VCV003627688.2).

ClinVar aggregate classification (germline): Uncertain significance (1 of 4 stars; one submission).

Conditions:
Gingival disorder. Also called: Gingival disease. Identifiers: MedGen C0017563, MONDO:0002021.

gnomAD v4.1: 4 of 1,614,080 alleles (0.00025%); highest among the groups gnomAD compares: Non-Finnish European, 0.00034%; no homozygotes.

Submission:

Labcorp Genetics (formerly Invitae), Labcorp
Classification: Uncertain significance for Gingival disorder. Last evaluated: 2026-01-12. Review status: criteria provided, single submitter. Criteria: Invitae Variant Classification Sherloc (09022015). Collection method: clinical testing. Allele origin: germline.
Comment: This sequence change replaces isoleucine, which is neutral and non-polar, with valine, which is neutral and non-polar, at codon 161 of the FPR1 protein (p.Ile161Val). This variant is not present in population databases (gnomAD no frequency). This variant has not been reported in the literature in individuals affected with FPR1-related conditions. ClinVar contains an entry for this variant (Variation ID: 3627688). An algorithm developed to predict the effect of missense changes on protein structure and function outputs the following: PolyPhen-2: "Benign". The valine amino acid residue is found in multiple mammalian species, which suggests that this missense change does not adversely affect protein function. In summary, the available evidence is currently insufficient to determine the role of this variant in disease. Therefore, it has been classified as a Variant of Uncertain Significance.